The following is an entry in ClinVar:

ClinVar aggregate classification (germline): Uncertain significance (1 of 4 stars; one submission).

Submission:

GeneDx
Classification: Uncertain significance. Last evaluated: 2025-06-23. Review status: criteria provided, single submitter. Criteria: GeneDx Variant Classification Process June 2021. Collection method: clinical testing. Allele origin: germline. Affected: yes.
Comment: Not observed at significant frequency in large population cohorts (gnomAD); In silico analysis suggests that this missense variant does not alter protein structure/function; Has not been previously published as pathogenic or benign to our knowledge; This variant is associated with the following publications: (PMID: 20849849)

NM_018972.4(GDAP1):c.538G>A (p.Asp180Asn)

Gene: GDAP1 (ganglioside induced differentiation associated protein 1; plus strand). Cytogenetic location: 8q21.11.
Variant type: single nucleotide variant.
Coding change: c.538G>A on transcript NM_018972.4 (MANE Select); coding-DNA position 538, G replaced by A.
Protein change: p.Asp180Asn; replaces aspartic acid 180 with asparagine.
Molecular consequence: missense variant.
Genome position (GRCh38, 1-based): chr8:74,361,937, G>A. VCF-style: chr8-74361937-G-A. GRCh37 (hg19) VCF-style: chr8-75274172-G-A.
Other names: c.334G>A, p.Asp112Asn (NM_001040875.4); c.211G>A, p.Asp71Asn (NM_001362929.2, NM_001362932.2); c.364G>A, p.Asp122Asn (NM_001362930.2); c.538G>A, p.Asp180Asn (NM_001362931.2); short protein forms D112N, D122N, D180N, D71N.
Identifiers: ClinVar variation 4540143 (VCV004540143.1).